The following is an entry in ClinVar:

ClinVar aggregate classification (germline): Benign (1 of 4 stars; one submission).

Allele frequency attached by ClinVar (database versions not stated): 1000 Genomes Project 30x 0.21205; 1000 Genomes Project 0.21845; TOPMed 0.24881; gnomAD 0.26022.
gnomAD v4.1: 39,692 of 152,062 alleles (26%); highest among the groups gnomAD compares: Non-Finnish European, 34%; 5,875 homozygotes.

Submission:

GeneDx
Classification: Benign. Last evaluated: 2018-06-14. Review status: criteria provided, single submitter. Criteria: GeneDx Variant Classification (06012015). Collection method: clinical testing. Allele origin: germline. Affected: yes.
Comment: This variant is considered likely benign or benign based on one or more of the following criteria: it is a conservative change, it occurs at a poorly conserved position in the protein, it is predicted to be benign by multiple in silico algorithms, and/or has population frequency not consistent with disease.

NM_001165963.4(SCN1A):c.3429+212T>C

Genes: SCN1A (sodium voltage-gated channel alpha subunit 1; minus strand), LOC102724058 (uncharacterized LOC102724058; plus strand). Cytogenetic location: 2q24.3.
Variant type: single nucleotide variant.
Coding change: c.3429+212T>C on transcript NM_001165963.4 (MANE Select); 212 bases into the intron after coding-DNA position 3429, T replaced by C.
Molecular consequence: intron variant.
Genome position (GRCh38, 1-based): chr2:166,035,836, A>G on the plus strand (T>C on the coding strand, the complement: SCN1A is on the minus strand). VCF-style: chr2-166035836-A-G. GRCh37 (hg19) VCF-style: chr2-166892346-A-G.
Other names: c.3429+212T>C (NM_001353948.2, NM_001202435.3); c.3396+212T>C (NM_001353949.2, NM_001353950.2, NM_001353951.2 and 2 more transcripts); c.3345+212T>C (NM_001353958.2, NM_001353957.2, NM_001165964.3); c.3393+212T>C (NM_001353955.2, NM_001353954.2); c.3342+212T>C (NM_001353960.2); c.987+212T>C (NM_001353961.2).
Identifiers: ClinVar variation 669358 (VCV000669358.1), dbSNP rs11691603, ClinGen allele CA11036202.
Genomic context (GRCh38, chr2:166,035,836, plus strand): 5'-CCTTGTAATCACGTGGTTGACTGGGAGCTGCAGCTTGCTGCCCCTGCCCAGCATGAGAGT[A>G]TATTGTACCACAAATTGCTAGCCTGGGAAAAGATCAAAATTCAAAATTTAGAGCATGGTT-3'